The following is an entry in ClinVar:

ClinVar aggregate classification (germline): Uncertain significance (1 of 4 stars; one submission).

Allele frequency attached by ClinVar (database versions not stated): gnomAD exomes below 0.00001 and 0.00001; TOPMed 0.00001; ExAC 0.00002; gnomAD 0.00002 and 0.00003.

Submission:

GeneDx
Classification: Uncertain significance. Last evaluated: 2022-04-08. Review status: criteria provided, single submitter. Criteria: GeneDx Variant Classification Process June 2021. Collection method: clinical testing. Allele origin: germline. Affected: yes.
Comment: Not observed at significant frequency in large population cohorts (gnomAD); In silico analysis supports that this missense variant has a deleterious effect on protein structure/function; Has not been previously published as pathogenic or benign to our knowledge

NM_004463.3(FGD1):c.1178A>G (p.His393Arg)

Gene: FGD1 (FYVE, RhoGEF and PH domain containing 1; minus strand). Cytogenetic location: Xp11.22.
Variant type: single nucleotide variant.
Coding change: c.1178A>G on transcript NM_004463.3 (MANE Select); coding-DNA position 1178, A replaced by G.
Protein change: p.His393Arg; replaces histidine 393 with arginine.
Molecular consequence: missense variant.
Genome position (GRCh38, 1-based): chrX:54,468,800, T>C on the plus strand (A>G on the coding strand, the complement: FGD1 is on the minus strand). VCF-style: chrX-54468800-T-C. GRCh37 (hg19) VCF-style: chrX-54495233-T-C.
Other names: short protein forms H393R.
Identifiers: ClinVar variation 1311215 (VCV001311215.3), dbSNP rs776840906, ClinGen allele CA10425141.
Genomic context (GRCh38, chrX:54,468,800, plus strand): 5'-GCACCTACAAGGTCCTGGGGCCCTCGTACCCCCAAGGGGCCACTCACCTGATCCAGGAGA[T>C]GGAGCCTGGAAACGTAGGCCTTCTCAGTTTGCAGGAGCTCATTGGCAATGTGAAACACCT-3'
Protein context (NP_004454.2, residues 383-403): QTEKAYVSRL[His393Arg]LLDQVFCARL